The following is an entry in ClinVar:

NM_003482.4(KMT2D):c.844C>T (p.Pro282Ser)

Gene: KMT2D (lysine methyltransferase 2D; minus strand). Cytogenetic location: 12q13.12.
Variant type: single nucleotide variant.
Coding change: c.844C>T on transcript NM_003482.4 (MANE Select); coding-DNA position 844, C replaced by T.
Protein change: p.Pro282Ser; replaces proline 282 with serine.
Molecular consequence: missense variant.
Genome position (GRCh38, 1-based): chr12:49,053,317, G>A on the plus strand (C>T on the coding strand, the complement: KMT2D is on the minus strand). VCF-style: chr12-49053317-G-A. GRCh37 (hg19) VCF-style: chr12-49447100-G-A.
Other names: short protein forms P282S.
Identifiers: ClinVar variation 5009107 (VCV005009107.1).
Genomic context (GRCh38, chr12:49,053,317, plus strand): 5'-AGAAAGTATGGTATCCTTTGTCACACGTCTCACAAACCAACATCTTAGAGTCATTCCCAG[G>A]TTTCCTGCAGGTGCACATGGAACATTACAGTGTCCTCTCTGCCCTCATTTCCTTTCTTTT-3'
Protein context (NP_003473.3, residues 272-292): ECKVCQACRK[Pro282Ser]GNDSKMLVCE

ClinVar aggregate classification (germline): Uncertain significance (1 of 4 stars; one submission).

Submission:

GeneDx
Classification: Uncertain significance. Last evaluated: 2026-03-16. Review status: criteria provided, single submitter. Criteria: GeneDx Variant Classification Process June 2021. Collection method: clinical testing. Allele origin: germline.
Comment: Not observed at significant frequency in large population cohorts (gnomAD); In silico analysis suggests that this missense variant does not alter protein structure/function; Has not been previously published as pathogenic or benign to our knowledge